The following is an entry in ClinVar:

NM_022124.6(CDH23):c.6623A>G (p.Glu2208Gly)

Gene: CDH23 (cadherin related 23; plus strand). Cytogenetic location: 10q22.1.
Variant type: single nucleotide variant.
Coding change: c.6623A>G on transcript NM_022124.6 (MANE Select); coding-DNA position 6623, A replaced by G.
Protein change: p.Glu2208Gly; replaces glutamic acid 2208 with glycine.
Molecular consequence: missense variant.
Genome position (GRCh38, 1-based): chr10:71,793,551, A>G. VCF-style: chr10-71793551-A-G. GRCh37 (hg19) VCF-style: chr10-73553308-A-G.
Other names: short protein forms E2208G.
Identifiers: ClinVar variation 4983114 (VCV004983114.1).

ClinVar aggregate classification (germline): Uncertain significance (1 of 4 stars; one submission).

Conditions:
CDH23-related disorder. Also called: CDH23-related disorders; CDH23-related condition.

gnomAD v4.1: 16 of 1,613,302 alleles (0.00099%); highest among the groups gnomAD compares: Non-Finnish European, 0.0014%; no homozygotes.

Submission:

PreventionGenetics, part of Exact Sciences
Classification: Uncertain significance for CDH23-related condition. Last evaluated: 2025-01-18. Review status: criteria provided, single submitter. Criteria: ACMG Guidelines, 2015. Collection method: clinical testing. Allele origin: germline.
Comment: The CDH23 c.6623A>G variant is predicted to result in the amino acid substitution p.Glu2208Gly. To our knowledge, this variant has not been reported in the literature. This variant is reported in 0.00089% of alleles in individuals of European (Non-Finnish) descent in gnomAD. At this time, the clinical significance of this variant is uncertain due to the absence of conclusive functional and genetic evidence.